The following is an entry in ClinVar:

ClinVar aggregate classification (germline): Likely benign (1 of 4 stars; one submission).

Conditions:
Hypohidrotic ectodermal dysplasia (HED). Identifiers: Orphanet 238468, MedGen C5848103, MONDO:0016535, HP:0007607.

Allele frequency attached by ClinVar (database versions not stated): gnomAD exomes 0.00007; ExAC 0.00004; gnomAD 0.00005; TOPMed 0.00005.
gnomAD v4.1: 190 of 1,613,906 alleles (0.012%); highest among the groups gnomAD compares: South Asian, 0.022%; 2 homozygotes.

Submission:

Illumina Laboratory Services, Illumina
Classification: Likely benign for Hypohidrotic ectodermal dysplasia. Last evaluated: 2018-01-13. Review status: criteria provided, single submitter. Criteria: ICSL Variant Classification Criteria 13 December 2019. Collection method: clinical testing. Allele origin: germline.
Comment: This variant was observed in the ICSL laboratory as part of a predisposition screen in an ostensibly healthy population. It had not been previously curated by ICSL or reported in the Human Gene Mutation Database (HGMD: prior to June 1st, 2018), and was therefore a candidate for classification through an automated scoring system. Utilizing variant allele frequency, disease prevalence and penetrance estimates, and inheritance mode, an automated score was calculated to assess if this variant is too frequent to cause the disease. Based on the score and internal cut-off values, a variant classified as likely benign is not then subjected to further curation. The score for this variant resulted in a classification of likely benign for this disease.

NM_022336.4(EDAR):c.675G>A (p.Pro225=)

Genes: EDAR (ectodysplasin A receptor; minus strand), RANBP2 (RAN binding protein 2; plus strand). Cytogenetic location: 2q13.
Variant type: single nucleotide variant.
Coding change: c.675G>A on transcript NM_022336.4 (MANE Select); coding-DNA position 675, G replaced by A.
Protein change: p.Pro225=; no amino-acid change (proline 225 retained).
Molecular consequence: synonymous variant.
Genome position (GRCh38, 1-based): chr2:108,910,831, C>T on the plus strand (G>A on the coding strand, the complement: EDAR is on the minus strand). VCF-style: chr2-108910831-C-T. GRCh37 (hg19) VCF-style: chr2-109527287-C-T.
Identifiers: ClinVar variation 893315 (VCV000893315.4), dbSNP rs746044070, ClinGen allele CA1824978.
Genomic context (GRCh38, chr2:108,910,831, plus strand): 5'-CAGACCTGGGGCCTCTTTCTTCTCCTCGTCCTTGCTCACTTGGGCCTCCACGCTCTTCCC[C>T]GGGTGGCTGGTGCAACAGGCTGGGGAGAGAGGAGGGAGTGAGCAGCCAGGCTCTCCGACA-3'
Protein context (NP_071731.1, residues 215-235): PSAPACCTSH[Pro225=]GKSVEAQVSK